The following is an entry in ClinVar:

ClinVar aggregate classification (germline): Uncertain significance. Review status: criteria provided, multiple submitters, no conflicts (2 of 4 stars). 2 submissions from 2 submitters: Uncertain significance (2). Last evaluated 2022-11-08.

Conditions:
Inborn genetic diseases. Identifiers: MedGen C0950123, MeSH D030342.

Allele frequency attached by ClinVar (database versions not stated): ExAC 0.00001; gnomAD 0.00003; TOPMed 0.00004.
gnomAD v4.1: 6 of 1,609,296 alleles (0.00037%); highest among the groups gnomAD compares: East Asian, 0.013%; no homozygotes.

Submissions (2):

Ambry Genetics
Classification: Uncertain significance for Inborn genetic diseases. Last evaluated: 2022-11-08. Review status: criteria provided, single submitter. Criteria: Ambry Variant Classification Scheme 2023. Collection method: clinical testing. Allele origin: germline.

Labcorp Genetics (formerly Invitae), Labcorp
Classification: Uncertain significance. Last evaluated: 2021-12-02. Review status: criteria provided, single submitter. Criteria: Invitae Variant Classification Sherloc (09022015). Collection method: clinical testing. Allele origin: germline.
Comment: This sequence change replaces alanine, which is neutral and non-polar, with glycine, which is neutral and non-polar, at codon 974 of the VARS2 protein (p.Ala974Gly). This variant is present in population databases (rs747655762, gnomAD 0.03%). This variant has not been reported in the literature in individuals affected with VARS2-related conditions. Algorithms developed to predict the effect of missense changes on protein structure and function (SIFT, PolyPhen-2, Align-GVGD) all suggest that this variant is likely to be tolerated. In summary, the available evidence is currently insufficient to determine the role of this variant in disease. Therefore, it has been classified as a Variant of Uncertain Significance.

NM_020442.6(VARS2):c.2831C>G (p.Ala944Gly)

Gene: VARS2 (valyl-tRNA synthetase 2, mitochondrial; plus strand). Cytogenetic location: 6p21.33.
Variant type: single nucleotide variant.
Coding change: c.2831C>G on transcript NM_020442.6 (MANE Select); coding-DNA position 2831, C replaced by G.
Protein change: p.Ala944Gly; replaces alanine 944 with glycine.
Molecular consequence: missense variant.
Genome position (GRCh38, 1-based): chr6:30,925,589, C>G. VCF-style: chr6-30925589-C-G. GRCh37 (hg19) VCF-style: chr6-30893366-C-G.
Other names: c.2921C>G (NM_001167734.1); c.2411C>G, p.Ala804Gly (NM_001167733.3); c.2921C>G, p.Ala974Gly (NM_001167734.2); short protein forms A944G, A804G, A974G.
Identifiers: ClinVar variation 1499827 (VCV001499827.7), dbSNP rs747655762, ClinGen allele CA3706401.